The following is an entry in ClinVar:

NM_001302371.3(NBPF10):c.792C>G (p.Thr264=)

Gene: NBPF10 (NBPF member 10; minus strand). Cytogenetic location: 1q21.1.
Variant type: single nucleotide variant.
Coding change: c.792C>G on transcript NM_001302371.3 (MANE Select); coding-DNA position 792, C replaced by G.
Protein change: p.Thr264=; no amino-acid change (threonine 264 retained).
Molecular consequence: synonymous variant.
Genome position (GRCh38, 1-based): chr1:146,138,432, G>C on the plus strand (C>G on the coding strand, the complement: NBPF10 is on the minus strand). VCF-style: chr1-146138432-G-C. GRCh37 (hg19) VCF-style: chr1-145299743-C-G.
Other names: c.792C>G, p.Thr264= (NM_001039703.6).
Identifiers: ClinVar variation 3250689 (VCV003250689.18), dbSNP rs782099305.
Genomic context (GRCh38, chr1:146,138,432, plus strand): 5'-TGCCTTCTCGCTGGACAAAGGGCCGGCTGATACCACCATGCTGACGTTTGTGGCAGAAGA[G>C]GTGGGGCCAGGGACTGGGGAGAAGAAAGGCAAACACATGATGGGTTAAAAACTGGTGAAA-3'
Protein context (NP_001289300.1, residues 254-274): ALNILPVPGP[Thr264=]SSATNVSMVV

ClinVar aggregate classification (germline): Likely benign (1 of 4 stars; one submission).

Submission:

CeGaT Center for Human Genetics Tuebingen
Classification: Likely benign. Last evaluated: 2024-06-01. Review status: criteria provided, single submitter. Criteria: CeGaT Center For Human Genetics Tuebingen Variant Classification Criteria Version 2. Collection method: clinical testing. Allele origin: germline. Affected: yes. Observed: 1 variant allele.
Comment: NBPF10: BP4, BP7